The following is an entry in ClinVar:

NM_002878.4(RAD51D):c.170del (p.Leu57fs)

Genes: RAD51D (RAD51 paralog D; minus strand), RAD51L3-RFFL (RAD51L3-RFFL readthrough; minus strand). Cytogenetic location: 17q12.
Variant type: Deletion.
Coding change: c.170del on transcript NM_002878.4 (MANE Select); coding-DNA position 170, one base deleted (T; older notation c.170delT).
Protein change: p.Leu57fs; shifts the reading frame from leucine 57.
Molecular consequence: frameshift variant. On other transcripts: intron variant (2).
Genome position (GRCh38, 1-based): chr17:35,118,594, A deleted on the plus strand (T on the coding strand, the reverse complement: RAD51D is on the minus strand). VCF-style (leftmost placement, unchanged base first): chr17-35118593-CA-C. GRCh37 (hg19) VCF-style: chr17-33445612-CA-C.
Other names: c.144+517del (NM_133629.3, NM_001142571.2); short protein forms L57fs.
Identifiers: ClinVar variation 3148422 (VCV003148422.1), dbSNP rs2509182326, ClinGen allele CA2825002496.

ClinVar aggregate classification (germline): Pathogenic (1 of 4 stars; one submission).

Conditions:
Breast-ovarian cancer, familial, susceptibility to, 4. Identifiers: Orphanet 145, MedGen C3280345, MONDO:0013669, OMIM 614291.

Submission:

Myriad Genetics, Inc.
Classification: Pathogenic for Breast-ovarian cancer, familial, susceptibility to, 4. Last evaluated: 2024-01-04. Review status: criteria provided, single submitter. Criteria: Myriad Autosomal Dominant, Autosomal Recessive and X-Linked Classification Criteria (2023). Collection method: clinical testing. Allele origin: unknown.
Comment: This variant is considered pathogenic. This variant creates a frameshift predicted to result in premature protein truncation.